The following is an entry in ClinVar:

ClinVar aggregate classification (germline): Uncertain significance (1 of 4 stars; one submission).

Conditions:
Cerebral folate transport deficiency. Also called: NEURODEGENERATION DUE TO CEREBRAL FOLATE TRANSPORT DEFICIENCY; Neurodegenerative syndrome due to cerebral folate transport deficiency; FOLR1-Related Cerebral Folate Transport Deficiency; FOLATE RECEPTOR DEFICIENCY; Cerebral folate deficiency syndrome. Identifiers: Orphanet 217382, MedGen C2751584, MONDO:0013110, OMIM 613068. Disease mechanism: loss of function.

Submission:

Labcorp Genetics (formerly Invitae), Labcorp
Classification: Uncertain significance for Cerebral folate transport deficiency. Last evaluated: 2023-07-07. Review status: criteria provided, single submitter. Criteria: Invitae Variant Classification Sherloc (09022015). Collection method: clinical testing. Allele origin: germline.
Comment: This sequence change replaces proline, which is neutral and non-polar, with leucine, which is neutral and non-polar, at codon 216 of the FOLR1 protein (p.Pro216Leu). The frequency data for this variant in the population databases is considered unreliable, as metrics indicate poor data quality at this position in the gnomAD database. This variant has not been reported in the literature in individuals affected with FOLR1-related conditions. ClinVar contains an entry for this variant (Variation ID: 1042653). An algorithm developed to predict the effect of missense changes on protein structure and function (PolyPhen-2) suggests that this variant is likely to be tolerated. In summary, the available evidence is currently insufficient to determine the role of this variant in disease. Therefore, it has been classified as a Variant of Uncertain Significance.

NM_016729.3(FOLR1):c.647_648inv (p.Pro216Leu)

Genes: FOLR1-AS1 (FOLR1 antisense RNA 1; minus strand), FOLR1 (folate receptor alpha; plus strand). Cytogenetic location: 11q13.4.
Variant type: Inversion.
Coding change: c.647_648inv on transcript NM_016729.3 (MANE Select).
Protein change: p.Pro216Leu; replaces proline 216 with leucine.
Molecular consequence: missense variant.
Genome position: GRCh38 VCF-style: chr11-72196050-CA-TG. GRCh37 (hg19) VCF-style: chr11-71907094-CA-TG.
Other names: c.647_648inv, p.Pro216Leu (NM_000802.3, NM_016724.3, NM_016725.3); short protein forms P216L.
Identifiers: ClinVar variation 1042653 (VCV001042653.7), ClinGen allele CA2499221294.